The following is an entry in ClinVar:

NM_001370466.1(NOD2):c.3037C>A (p.Leu1013Ile)

Genes: CYLD-AS1 (CYLD antisense RNA 1; minus strand), NOD2 (nucleotide binding oligomerization domain containing 2; plus strand). Cytogenetic location: 16q12.1.
Variant type: single nucleotide variant.
Coding change: c.3037C>A on transcript NM_001370466.1 (MANE Select); coding-DNA position 3037, C replaced by A.
Protein change: p.Leu1013Ile; replaces leucine 1013 with isoleucine.
Molecular consequence: missense variant. On other transcripts: non-coding transcript variant (1).
Genome position (GRCh38, 1-based): chr16:50,731,814, C>A. VCF-style: chr16-50731814-C-A. GRCh37 (hg19) VCF-style: chr16-50765725-C-A.
Other names: c.3037C>A, p.Leu1013Ile (NM_001293557.2); c.3118C>A, p.Leu1040Ile (NM_022162.3); short protein forms L1040I, L1013I.
Identifiers: ClinVar variation 2932739 (VCV002932739.3), dbSNP rs757653432, ClinGen allele CA8052082.

ClinVar aggregate classification (germline): Uncertain significance (1 of 4 stars; one submission).

Conditions:
Regional enteritis. Also called: Enteritis, Granulomatous. Identifiers: MedGen C0678202, MeSH D003424.
Blau syndrome (BLAUS). Also called: ARTHROCUTANEOUVEAL GRANULOMATOSIS; GRANULOMATOSIS, FAMILIAL JUVENILE SYSTEMIC; GRANULOMATOSIS, FAMILIAL, BLAU TYPE; GRANULOMATOUS INFLAMMATORY ARTHRITIS, DERMATITIS, AND UVEITIS, FAMILIAL; JABS SYNDROME. Identifiers: Orphanet 90340, MedGen C5201146, MONDO:0008523, OMIM 186580.

Allele frequency attached by ClinVar (database versions not stated): gnomAD exomes below 0.00001; ExAC 0.00001; TOPMed 0.00002; gnomAD 0.00004.
gnomAD v4.1: 12 of 1,612,222 alleles (0.00074%); highest among the groups gnomAD compares: African/African-American, 0.016%; no homozygotes.

Submission:

Labcorp Genetics (formerly Invitae), Labcorp
Classification: Uncertain significance for Regional enteritis; Blau syndrome. Last evaluated: 2025-04-24. Review status: criteria provided, single submitter. Criteria: Invitae Variant Classification Sherloc (09022015). Collection method: clinical testing. Allele origin: germline.
Comment: This sequence change replaces leucine, which is neutral and non-polar, with isoleucine, which is neutral and non-polar, at codon 1040 of the NOD2 protein (p.Leu1040Ile). This variant is present in population databases (rs757653432, gnomAD 0.008%). This variant has not been reported in the literature in individuals affected with NOD2-related conditions. ClinVar contains an entry for this variant (Variation ID: 2932739). Invitae Evidence Modeling of protein sequence and biophysical properties (such as structural, functional, and spatial information, amino acid conservation, physicochemical variation, residue mobility, and thermodynamic stability) has been performed for this missense variant. However, the output from this modeling did not meet the statistical confidence thresholds required to predict the impact of this variant on NOD2 protein function. In summary, the available evidence is currently insufficient to determine the role of this variant in disease. Therefore, it has been classified as a Variant of Uncertain Significance.